The following is an entry in ClinVar:

NM_015073.3(SIPA1L3):c.4070C>T (p.Ala1357Val)

Gene: SIPA1L3 (signal induced proliferation associated 1 like 3; plus strand). Cytogenetic location: 19q13.13.
Variant type: single nucleotide variant.
Coding change: c.4070C>T on transcript NM_015073.3 (MANE Select); coding-DNA position 4070, C replaced by T.
Protein change: p.Ala1357Val; replaces alanine 1357 with valine.
Molecular consequence: missense variant.
Genome position (GRCh38, 1-based): chr19:38,164,768, C>T. VCF-style: chr19-38164768-C-T. GRCh37 (hg19) VCF-style: chr19-38655408-C-T.
Other names: short protein forms A1357V.
Identifiers: ClinVar variation 1373842 (VCV001373842.6), dbSNP rs767469139, ClinGen allele CA9410202.

ClinVar aggregate classification (germline): Uncertain significance (1 of 4 stars; one submission).

Allele frequency attached by ClinVar (database versions not stated): gnomAD 0.00001; gnomAD exomes 0.00005 and 0.00011; TOPMed 0.00006; ExAC 0.00012.
gnomAD v4.1: 31 of 1,612,784 alleles (0.0019%); highest among the groups gnomAD compares: Admixed American, 0.052%; no homozygotes.

Submission:

Labcorp Genetics (formerly Invitae), Labcorp
Classification: Uncertain significance. Last evaluated: 2022-07-06. Review status: criteria provided, single submitter. Criteria: Invitae Variant Classification Sherloc (09022015). Collection method: clinical testing. Allele origin: germline.
Comment: In summary, the available evidence is currently insufficient to determine the role of this variant in disease. Therefore, it has been classified as a Variant of Uncertain Significance. Algorithms developed to predict the effect of missense changes on protein structure and function (SIFT, PolyPhen-2, Align-GVGD) all suggest that this variant is likely to be tolerated. ClinVar contains an entry for this variant (Variation ID: 1373842). This variant has not been reported in the literature in individuals affected with SIPA1L3-related conditions. This variant is present in population databases (rs767469139, gnomAD 0.08%), and has an allele count higher than expected for a pathogenic variant. This sequence change replaces alanine, which is neutral and non-polar, with valine, which is neutral and non-polar, at codon 1357 of the SIPA1L3 protein (p.Ala1357Val).